The following is an entry in ClinVar:

ClinVar aggregate classification (germline): Uncertain significance. Review status: criteria provided, multiple submitters, no conflicts (2 of 4 stars). 2 submissions from 2 submitters: Uncertain significance (2). Last evaluated 2025-06-25.

Conditions:
Arrhythmogenic right ventricular cardiomyopathy (ARVD). Also called: Arrhythmogenic cardiomyopathy; Arrhythmogenic Right Ventricular Cardiomyopathy (ARVC); Cardiomyopathy, ARVC; Arrhythmogenic right ventricular dysplasia. Identifiers: Orphanet 247, MedGen C0349788, MeSH D019571, MONDO:0016587. Disease mechanism: loss of function. Inheritance: Various modes of inheritance.
Arrhythmogenic right ventricular dysplasia 11. Also called: Arrhythmogenic right ventricular dysplasia 11 with mild palmoplantar keratoderma and woolly hair; Arrhythmogenic Right Ventricular Dysplasia/Cardiomyopathy11; ARRHYTHMOGENIC RIGHT VENTRICULAR DYSPLASIA, FAMILIAL, 11. Identifiers: MedGen C1864850, MONDO:0012506, OMIM 610476.

Submissions (2):

Labcorp Genetics (formerly Invitae), Labcorp
Classification: Uncertain significance for Arrhythmogenic right ventricular dysplasia 11. Last evaluated: 2025-06-25. Review status: criteria provided, single submitter. Criteria: Invitae Variant Classification Sherloc (09022015). Collection method: clinical testing. Allele origin: germline.
Comment: This sequence change replaces aspartic acid, which is acidic and polar, with glycine, which is neutral and non-polar, at codon 238 of the DSC2 protein (p.Asp238Gly). This variant is not present in population databases (gnomAD no frequency). This missense change has been observed in individual(s) with arrhythmogenic cardiomyopathy (PMID: 35819174). ClinVar contains an entry for this variant (Variation ID: 1514029). Invitae Evidence Modeling of protein sequence and biophysical properties (such as structural, functional, and spatial information, amino acid conservation, physicochemical variation, residue mobility, and thermodynamic stability) indicates that this missense variant is expected to disrupt DSC2 protein function with a positive predictive value of 80%. Algorithms developed to predict the effect of sequence changes on RNA splicing suggest that this variant may create or strengthen a splice site. In summary, the available evidence is currently insufficient to determine the role of this variant in disease. Therefore, it has been classified as a Variant of Uncertain Significance.

Molecular Genetics Laboratory - Cardiogenetics, CHU de Nantes
Classification: Uncertain significance for Arrhythmogenic right ventricular cardiomyopathy. Last evaluated: 2022-06-01. Review status: criteria provided, single submitter. Criteria: ACMG Guidelines, 2015. Collection method: curation. Allele origin: germline. Affected: yes.

Literature cited by the submitters: PubMed 35819174 (cited by Labcorp Genetics (formerly Invitae), Labcorp).

NM_024422.6(DSC2):c.713A>G (p.Asp238Gly)

Gene: DSC2 (desmocollin 2; minus strand). Cytogenetic location: 18q12.1.
Variant type: single nucleotide variant.
Coding change: c.713A>G on transcript NM_024422.6 (MANE Select); coding-DNA position 713, A replaced by G.
Protein change: p.Asp238Gly; replaces aspartic acid 238 with glycine.
Molecular consequence: missense variant.
Genome position (GRCh38, 1-based): chr18:31,087,731, T>C on the plus strand (A>G on the coding strand, the complement: DSC2 is on the minus strand). VCF-style: chr18-31087731-T-C. GRCh37 (hg19) VCF-style: chr18-28667694-T-C.
Other names: c.713A>G, p.Asp238Gly (NM_004949.5); short protein forms D238G.
Identifiers: ClinVar variation 1514029 (VCV001514029.7), dbSNP rs2144833773, ClinGen allele CA402112833.